The following is an entry in ClinVar:

NM_000548.5(TSC2):c.1483C>T (p.His495Tyr)

Gene: TSC2 (TSC complex subunit 2; plus strand). Cytogenetic location: 16p13.3.
Variant type: single nucleotide variant.
Coding change: c.1483C>T on transcript NM_000548.5 (MANE Select); coding-DNA position 1483, C replaced by T.
Protein change: p.His495Tyr; replaces histidine 495 with tyrosine.
Molecular consequence: missense variant.
Genome position (GRCh38, 1-based): chr16:2,064,311, C>T. VCF-style: chr16-2064311-C-T. GRCh37 (hg19) VCF-style: chr16-2114312-C-T.
Other names: c.1483C>T, p.His495Tyr (NM_001077183.3, NM_001114382.3, NM_001363528.2 and 3 more transcripts); c.1372C>T, p.His458Tyr (NM_001318827.2); c.1336C>T, p.His446Tyr (NM_001318829.2); c.883C>T, p.His295Tyr (NM_001318831.2); c.1516C>T, p.His506Tyr (NM_001318832.2); short protein forms H458Y, H495Y, H506Y, H295Y, H446Y.
Identifiers: ClinVar variation 1372634 (VCV001372634.8), dbSNP rs2087013241, ClinGen allele CA394325875.

ClinVar aggregate classification (germline): Uncertain significance (1 of 4 stars; one submission).

Conditions:
Tuberous sclerosis 2 (TSC2). Identifiers: Orphanet 805, MedGen C1860707, MONDO:0013199, OMIM 613254.

Submission:

Labcorp Genetics (formerly Invitae), Labcorp
Classification: Uncertain significance for Tuberous sclerosis 2. Last evaluated: 2021-02-15. Review status: criteria provided, single submitter. Criteria: Invitae Variant Classification Sherloc (09022015). Collection method: clinical testing. Allele origin: germline.
Comment: Advanced modeling of protein sequence and biophysical properties (such as structural, functional, and spatial information, amino acid conservation, physicochemical variation, residue mobility, and thermodynamic stability) performed at Invitae indicates that this missense variant is not expected to disrupt TSC2 protein function. This variant has not been reported in the literature in individuals with TSC2-related conditions. This variant is not present in population databases (ExAC no frequency). This sequence change replaces histidine with tyrosine at codon 495 of the TSC2 protein (p.His495Tyr). The histidine residue is highly conserved and there is a moderate physicochemical difference between histidine and tyrosine. In summary, the available evidence is currently insufficient to determine the role of this variant in disease. Therefore, it has been classified as a Variant of Uncertain Significance.